The following is an entry in ClinVar:

NM_153247.4(SLC29A4):c.978T>C (p.Asp326=)

Gene: SLC29A4 (solute carrier family 29 member 4; plus strand). Cytogenetic location: 7p22.1.
Variant type: single nucleotide variant.
Coding change: c.978T>C on transcript NM_153247.4 (MANE Select); coding-DNA position 978, T replaced by C.
Protein change: p.Asp326=; no amino-acid change (aspartic acid 326 retained).
Molecular consequence: synonymous variant.
Genome position (GRCh38, 1-based): chr7:5,299,083, T>C. VCF-style: chr7-5299083-T-C. GRCh37 (hg19) VCF-style: chr7-5338714-T-C.
Other names: c.978T>C, p.Asp326= (NM_001040661.3); c.936T>C, p.Asp312= (NM_001300847.3).
Identifiers: ClinVar variation 3060950 (VCV003060950.2), dbSNP rs6950111, ClinGen allele CA4142730.

ClinVar aggregate classification (germline): Benign (0 of 4 stars; one submission).

Conditions:
SLC29A4-related disorder. Also called: SLC29A4-related condition.

Allele frequency attached by ClinVar (database versions not stated): 1000 Genomes Project 0.28894; 1000 Genomes Project 30x 0.29575; TOPMed 0.35262; ESP Exome Variant Server 0.37552.
gnomAD v4.1: 531,951 of 1,609,574 alleles (33%); highest among the groups gnomAD compares: African/African-American, 46%; 91,685 homozygotes.

Submission:

PreventionGenetics, part of Exact Sciences
Classification: Benign for SLC29A4-related condition. Last evaluated: 2019-10-22. Review status: no assertion criteria provided. Collection method: clinical testing. Allele origin: germline.
Comment: This variant is classified as benign based on ACMG/AMP sequence variant interpretation guidelines (Richards et al. 2015 PMID: 25741868, with internal and published modifications).